The following is an entry in ClinVar:

ClinVar aggregate classification (germline): Uncertain significance (1 of 4 stars; one submission).

Allele frequency attached by ClinVar (database versions not stated): TOPMed below 0.00001; gnomAD exomes 0.00001.

Submission:

Labcorp Genetics (formerly Invitae), Labcorp
Classification: Uncertain significance. Last evaluated: 2025-08-12. Review status: criteria provided, single submitter. Criteria: Invitae Variant Classification Sherloc (09022015). Collection method: clinical testing. Allele origin: germline.
Comment: This sequence change replaces alanine, which is neutral and non-polar, with threonine, which is neutral and polar, at codon 129 of the GPR143 protein (p.Ala129Thr). The frequency data for this variant in the population databases is considered unreliable, as metrics indicate poor data quality at this position in the gnomAD database. This variant has not been reported in the literature in individuals affected with GPR143-related conditions. ClinVar contains an entry for this variant (Variation ID: 1990460). Invitae Evidence Modeling of protein sequence and biophysical properties (such as structural, functional, and spatial information, amino acid conservation, physicochemical variation, residue mobility, and thermodynamic stability) indicates that this missense variant is not expected to disrupt GPR143 protein function with a negative predictive value of 95%. In summary, the available evidence is currently insufficient to determine the role of this variant in disease. Therefore, it has been classified as a Variant of Uncertain Significance.

NM_000273.3(GPR143):c.385G>A (p.Ala129Thr)

Gene: GPR143 (G protein-coupled receptor 143; minus strand). Cytogenetic location: Xp22.2.
Variant type: single nucleotide variant.
Coding change: c.385G>A on transcript NM_000273.3 (MANE Select); coding-DNA position 385, G replaced by A.
Protein change: p.Ala129Thr; replaces alanine 129 with threonine.
Molecular consequence: missense variant.
Genome position (GRCh38, 1-based): chrX:9,759,402, C>T on the plus strand (G>A on the coding strand, the complement: GPR143 is on the minus strand). VCF-style: chrX-9759402-C-T. GRCh37 (hg19) VCF-style: chrX-9727442-C-T.
Other names: short protein forms A129T.
Identifiers: ClinVar variation 1990460 (VCV001990460.4), dbSNP rs1288125564, ClinGen allele CA411998955.